The following is an entry in ClinVar:

ClinVar aggregate classification (germline): Uncertain significance. Review status: criteria provided, multiple submitters, no conflicts (2 of 4 stars). 5 submissions from 5 submitters: Uncertain significance (5). Last evaluated 2026-07-21.

Conditions:
PCNT-related disorder. Also called: PCNT-related condition.
Microcephalic osteodysplastic primordial dwarfism type II (MOPD2). Also called: OSTEODYSPLASTIC PRIMORDIAL DWARFISM, TYPE II; Microcephalic osteodysplastic primordial dwarfism with tooth abnormalities; MOPD II. Identifiers: Orphanet 2637, MedGen C0432246, MONDO:0008872, OMIM 210720.

Allele frequency attached by ClinVar (database versions not stated): ESP Exome Variant Server 0.00008; ExAC 0.00011; gnomAD exomes 0.00012 and 0.00022; gnomAD 0.00028 and 0.00031; TOPMed 0.00034.
gnomAD v4.1: 220 of 1,614,056 alleles (0.014%); highest among the groups gnomAD compares: Admixed American, 0.085%; 1 homozygote.

Submissions (5):

PreventionGenetics, part of Exact Sciences
Classification: Uncertain significance for PCNT-related condition. Last evaluated: 2026-07-21. Review status: criteria provided, single submitter. Criteria: ACMG Guidelines, 2015. Collection method: clinical testing. Allele origin: germline.
Comment: The PCNT c.2247A>C variant is predicted to result in the amino acid substitution p.Glu749Asp. To our knowledge, this variant has not been reported in the literature. This variant is reported in 0.076% of alleles in individuals of Latino descent in gnomAD which may be too frequent for an unreported disease-causing variant. Although we suspect that this variant may be benign, at this time, the clinical significance of this variant is uncertain due to the absence of conclusive functional and genetic evidence.

Labcorp Genetics (formerly Invitae), Labcorp
Classification: Uncertain significance. Last evaluated: 2024-12-02. Review status: criteria provided, single submitter. Criteria: Invitae Variant Classification Sherloc (09022015). Collection method: clinical testing. Allele origin: germline.
Comment: This sequence change replaces glutamic acid, which is acidic and polar, with aspartic acid, which is acidic and polar, at codon 749 of the PCNT protein (p.Glu749Asp). This variant is present in population databases (rs202246527, gnomAD 0.08%). This variant has not been reported in the literature in individuals affected with PCNT-related conditions. ClinVar contains an entry for this variant (Variation ID: 340476). An algorithm developed to predict the effect of missense changes on protein structure and function (PolyPhen-2) suggests that this variant is likely to be disruptive. In summary, the available evidence is currently insufficient to determine the role of this variant in disease. Therefore, it has been classified as a Variant of Uncertain Significance.

Baylor Genetics
Classification: Uncertain significance for Microcephalic osteodysplastic primordial dwarfism type II. Last evaluated: 2018-02-13. Review status: criteria provided, single submitter. Criteria: ACMG Guidelines, 2015. Collection method: clinical testing. Allele origin: unknown. Affected: yes.
Comment: This variant was determined to be of uncertain significance according to ACMG Guidelines, 2015 [PMID:25741868].

Illumina Laboratory Services, Illumina
Classification: Uncertain significance for Microcephalic osteodysplastic primordial dwarfism type II. Last evaluated: 2018-01-13. Review status: criteria provided, single submitter. Criteria: ICSL Variant Classification Criteria 13 December 2019. Collection method: clinical testing. Allele origin: germline.

Genetic Services Laboratory, University of Chicago
Classification: Uncertain significance. Last evaluated: 2017-02-20. Review status: criteria provided, single submitter. Criteria: ACMG Guidelines, 2015. Collection method: clinical testing. Allele origin: germline. Affected: no.

NM_006031.6(PCNT):c.2247A>C (p.Glu749Asp)

Gene: PCNT (pericentrin; plus strand). Cytogenetic location: 21q22.3.
Variant type: single nucleotide variant.
Coding change: c.2247A>C on transcript NM_006031.6 (MANE Select); coding-DNA position 2247, A replaced by C.
Protein change: p.Glu749Asp; replaces glutamic acid 749 with aspartic acid.
Molecular consequence: missense variant.
Genome position (GRCh38, 1-based): chr21:46,363,572, A>C. VCF-style: chr21-46363572-A-C. GRCh37 (hg19) VCF-style: chr21-47783487-A-C.
Other names: c.1893A>C, p.Glu631Asp (NM_001315529.2); short protein forms E749D, E631D.
Identifiers: ClinVar variation 340476 (VCV000340476.17), dbSNP rs202246527, ClinGen allele CA10078931.